The following is an entry in ClinVar:

NM_000038.6(APC):c.5155_5156delinsAT (p.Glu1719Met)

Gene: APC (APC regulator of Wnt signaling pathway; plus strand). Cytogenetic location: 5q22.2.
Variant type: Indel.
Coding change: c.5155_5156delinsAT on transcript NM_000038.6 (MANE Select); coding-DNA positions 5155 to 5156, GA replaced by AT.
Protein change: p.Glu1719Met; replaces glutamic acid 1719 with methionine.
Molecular consequence: missense variant. On other transcripts: non-coding transcript variant (2).
Genome position (GRCh38, 1-based): chr5:112,840,749-112,840,750, GA replaced by AT. VCF-style: chr5-112840749-GA-AT. GRCh37 (hg19) VCF-style: chr5-112176446-GA-AT.
Other names: c.5155_5156delinsAT, p.Glu1719Met (NM_001127510.3, NM_001354895.2, NM_001407450.1); c.5101_5102delinsAT, p.Glu1701Met (NM_001127511.3); c.5209_5210delinsAT, p.Glu1737Met (NM_001354896.2, NM_001407447.1, NM_001407448.1 and 1 more transcripts); c.5185_5186delinsAT, p.Glu1729Met (NM_001354897.2); c.5080_5081delinsAT, p.Glu1694Met (NM_001354898.2); c.5071_5072delinsAT, p.Glu1691Met (NM_001354899.2); c.5032_5033delinsAT, p.Glu1678Met (NM_001354900.2); c.4978_4979delinsAT, p.Glu1660Met (NM_001354901.2, NM_001407453.1); and 12 more; short protein forms E1636M, E1678M, E1737M, E1590M, E1618M, E1691M, E1694M, E1701M.
Identifiers: ClinVar variation 3639004 (VCV003639004.3).

ClinVar aggregate classification (germline): Uncertain significance. Review status: criteria provided, multiple submitters, no conflicts (2 of 4 stars). 2 submissions from 2 submitters: Uncertain significance (2). Last evaluated 2026-06-22.

Conditions:
Familial adenomatous polyposis 1 (FAP1). Also called: FAMILIAL ADENOMATOUS POLYPOSIS 1, ATTENUATED; POLYPOSIS, ADENOMATOUS INTESTINAL. Identifiers: MedGen C2713442, MONDO:0021056, OMIM 175100. Disease mechanism: loss of function.
Hereditary cancer-predisposing syndrome. Also called: Hereditary neoplastic syndrome; Neoplastic Syndromes, Hereditary; Tumor predisposition; Hereditary Cancer Syndrome. Identifiers: Orphanet 140162, MedGen C0027672, MeSH D009386, MONDO:0015356.

Submissions (2):

Ambry Genetics
Classification: Uncertain significance for Hereditary cancer-predisposing syndrome. Last evaluated: 2026-06-22. Review status: criteria provided, single submitter. Criteria: Ambry Variant Classification Scheme 2023. Collection method: clinical testing. Allele origin: germline.
Comment: The c.5155_5156delGAinsAT variant (also known as p.E1719M), located in coding exon 15 of the APC gene, results from an in-frame deletion of GA and insertion of AT at nucleotide positions 5155 to 5156. This results in the substitution of the glutamic acid residue for a methionine residue at codon 1719, an amino acid with dissimilar properties. This amino acid position is well conserved in available vertebrate species. In addition, in silico predictors for this gene do not accurately predict pathogenicity. Based on the available evidence, the clinical significance of this variant remains unclear.

Labcorp Genetics (formerly Invitae), Labcorp
Classification: Uncertain significance for Familial adenomatous polyposis 1. Last evaluated: 2024-02-05. Review status: criteria provided, single submitter. Criteria: Invitae Variant Classification Sherloc (09022015). Collection method: clinical testing. Allele origin: germline.
Comment: This sequence change replaces glutamic acid, which is acidic and polar, with methionine, which is neutral and non-polar, at codon 1719 of the APC protein (p.Glu1719Met). Information on the frequency of this variant in the gnomAD database is not available, as this variant may be reported differently in the database. This variant has not been reported in the literature in individuals affected with APC-related conditions. An algorithm developed to predict the effect of missense changes on protein structure and function (PolyPhen-2) suggests that this variant is likely to be disruptive. In summary, the available evidence is currently insufficient to determine the role of this variant in disease. Therefore, it has been classified as a Variant of Uncertain Significance.